The following is an entry in ClinVar:

NM_005559.4(LAMA1):c.5748G>A (p.Ser1916=)

Gene: LAMA1 (laminin subunit alpha 1; minus strand). Cytogenetic location: 18p11.31.
Variant type: single nucleotide variant.
Coding change: c.5748G>A on transcript NM_005559.4 (MANE Select); coding-DNA position 5748, G replaced by A.
Protein change: p.Ser1916=; no amino-acid change (serine 1916 retained).
Molecular consequence: synonymous variant.
Genome position (GRCh38, 1-based): chr18:6,983,147, C>T on the plus strand (G>A on the coding strand, the complement: LAMA1 is on the minus strand). VCF-style: chr18-6983147-C-T. GRCh37 (hg19) VCF-style: chr18-6983146-C-T.
Identifiers: ClinVar variation 714741 (VCV000714741.10), dbSNP rs745905632, ClinGen allele CA8881501.

ClinVar aggregate classification (germline): Likely benign. Review status: criteria provided, multiple submitters, no conflicts (2 of 4 stars). 3 submissions from 3 submitters: Likely benign (2). 1 of the submissions does not count toward it. Last evaluated 2026-08-01.

Conditions:
LAMA1-related disorder. Also called: LAMA1-related disorders; LAMA1-related condition.

Allele frequency attached by ClinVar (database versions not stated): ExAC 0.00005; TOPMed 0.00005.
gnomAD v4.1: 44 of 1,613,974 alleles (0.0027%); highest among the groups gnomAD compares: Admixed American, 0.032%; no homozygotes.

Submissions (3):

CeGaT Center for Human Genetics Tuebingen
Classification: Likely benign. Last evaluated: 2026-08-01. Review status: criteria provided, single submitter. Criteria: CeGaT Center For Human Genetics Tuebingen Variant Classification Criteria Version 2. Collection method: clinical testing. Allele origin: germline. Affected: yes. Observed: 1 variant allele.
Comment: LAMA1: BP4, BP7

Labcorp Genetics (formerly Invitae), Labcorp
Classification: Likely benign. Last evaluated: 2025-02-17. Review status: criteria provided, single submitter. Criteria: Invitae Variant Classification Sherloc (09022015). Collection method: clinical testing. Allele origin: germline.

PreventionGenetics, part of Exact Sciences
Classification: Likely benign for LAMA1-related condition. Last evaluated: 2019-07-01. Review status: no assertion criteria provided. Collection method: clinical testing. Allele origin: germline. Not counted in ClinVar's aggregate classification.
Comment: This variant is classified as likely benign based on ACMG/AMP sequence variant interpretation guidelines (Richards et al. 2015 PMID: 25741868, with internal and published modifications).